The following is an entry in ClinVar:

ClinVar aggregate classification (germline): Uncertain significance (1 of 4 stars; one submission).

Conditions:
Inborn genetic diseases. Identifiers: MedGen C0950123, MeSH D030342.

gnomAD v4.1: 1 of 1,614,164 alleles (0.000062%); no homozygotes.

Submission:

Ambry Genetics
Classification: Uncertain significance for Inborn genetic diseases. Last evaluated: 2021-12-30. Review status: criteria provided, single submitter. Criteria: Ambry Variant Classification Scheme 2023. Collection method: clinical testing. Allele origin: germline.
Comment: The p.M712T variant (also known as c.2135T>C), located in coding exon 18 of the LRRK2 gene, results from a T to C substitution at nucleotide position 2135. The methionine at codon 712 is replaced by threonine, an amino acid with similar properties. This amino acid position is conserved. In addition, the in silico prediction for this alteration is inconclusive. Since supporting evidence is limited at this time, the clinical significance of this alteration remains unclear.

NM_198578.4(LRRK2):c.2135T>C (p.Met712Thr)

Gene: LRRK2 (leucine rich repeat kinase 2; plus strand). Cytogenetic location: 12q12.
Variant type: single nucleotide variant.
Coding change: c.2135T>C on transcript NM_198578.4 (MANE Select); coding-DNA position 2135, T replaced by C.
Protein change: p.Met712Thr; replaces methionine 712 with threonine.
Molecular consequence: missense variant.
Genome position (GRCh38, 1-based): chr12:40,278,155, T>C. VCF-style: chr12-40278155-T-C. GRCh37 (hg19) VCF-style: chr12-40671957-T-C.
Other names: short protein forms M712T.
Identifiers: ClinVar variation 1786469 (VCV001786469.2), dbSNP rs2499638854, ClinGen allele CA384405105.